The following is an entry in ClinVar:

NM_021975.4(RELA):c.1080T>G (p.Tyr360Ter)

Gene: RELA (RELA proto-oncogene, NF-kB subunit; minus strand). Cytogenetic location: 11q13.1.
Variant type: single nucleotide variant.
Coding change: c.1080T>G on transcript NM_021975.4 (MANE Select); coding-DNA position 1080, T replaced by G.
Protein change: p.Tyr360Ter; replaces tyrosine 360 with a stop codon.
Molecular consequence: nonsense. On other transcripts: intron variant (1).
Genome position (GRCh38, 1-based): chr11:65,654,954, A>C on the plus strand (T>G on the coding strand, the complement: RELA is on the minus strand). VCF-style: chr11-65654954-A-C. GRCh37 (hg19) VCF-style: chr11-65422425-A-C.
Other names: c.1071T>G, p.Tyr357Ter (NM_001145138.2); c.1080T>G, p.Tyr360Ter (NM_001243985.2); c.1034-161T>G (NM_001243984.2); short protein forms Y357*, Y360*.
Identifiers: ClinVar variation 1063766 (VCV001063766.7), dbSNP rs149145548, ClinGen allele CA381388268.

ClinVar aggregate classification (germline): Pathogenic (1 of 4 stars; one submission).

Submission:

Labcorp Genetics (formerly Invitae), Labcorp
Classification: Pathogenic. Last evaluated: 2021-10-21. Review status: criteria provided, single submitter. Criteria: Invitae Variant Classification Sherloc (09022015). Collection method: clinical testing. Allele origin: germline.
Comment: This variant disrupts a region of the RELA protein in which other variant(s) ( p.His487Thrfs*7) have been determined to be pathogenic (PMID: 32969189). This suggests that this is a clinically significant region of the protein, and that variants that disrupt it are likely to be disease-causing. For these reasons, this variant has been classified as Pathogenic. Algorithms developed to predict the effect of sequence changes on RNA splicing suggest that this variant may create or strengthen a splice site. ClinVar contains an entry for this variant (Variation ID: 1063766). This variant has not been reported in the literature in individuals affected with RELA-related conditions. This variant is not present in population databases (ExAC no frequency). This sequence change creates a premature translational stop signal (p.Tyr360*) in the RELA gene. While this is not anticipated to result in nonsense mediated decay, it is expected to disrupt the last 192 amino acid(s) of the RELA protein.

Literature cited by the submitters: PubMed 32969189.